The following is an entry in ClinVar:

NM_001378454.1(ALMS1):c.5826dup (p.Arg1943fs)

Gene: ALMS1 (ALMS1 centrosome and basal body associated protein; plus strand). Cytogenetic location: 2p13.1.
Variant type: Duplication.
Coding change: c.5826dup on transcript NM_001378454.1 (MANE Select); coding-DNA position 5826, one base duplicated (A; older notation c.5826dupA).
Protein change: p.Arg1943fs; shifts the reading frame from arginine 1943.
Molecular consequence: frameshift variant.
Genome position (GRCh38, 1-based): chr2:73,452,353, A duplicated. VCF-style (leftmost placement, unchanged base first): chr2-73452352-C-CA. GRCh37 (hg19) VCF-style: chr2-73679479-C-CA.
Other names: c.5829dup, p.Arg1944fs (NM_015120.4); short protein forms R1944fs, R1943fs.
Identifiers: ClinVar variation 2809161 (VCV002809161.3), dbSNP rs2466106564, ClinGen allele CA2659618863.
Genomic context (GRCh38, chr2:73,452,352, plus strand): 5'-TTGTTCCTGGACAAGGTGACCGGAAGACTGAGATACCAACAGTACCTTTAAGTTACTACT[C>CA]ACGTAGAGAGAAGCCCAGTGTTATCTCTCAACAGGAGTTGCCAGACAGTCATCTCACAGA-3'

ClinVar aggregate classification (germline): Pathogenic (1 of 4 stars; one submission).

Conditions:
Alstrom syndrome (ALMS). Identifiers: Orphanet 64, MedGen C0268425, MONDO:0008763, OMIM 203800.

Allele frequency attached by ClinVar (database versions not stated): gnomAD exomes below 0.00001.

Submission:

Labcorp Genetics (formerly Invitae), Labcorp
Classification: Pathogenic for Alstrom syndrome. Last evaluated: 2023-09-08. Review status: criteria provided, single submitter. Criteria: Invitae Variant Classification Sherloc (09022015). Collection method: clinical testing. Allele origin: germline.
Comment: For these reasons, this variant has been classified as Pathogenic. This sequence change creates a premature translational stop signal (p.Arg1944Thrfs*2) in the ALMS1 gene. It is expected to result in an absent or disrupted protein product. Loss-of-function variants in ALMS1 are known to be pathogenic (PMID: 17594715). This variant is not present in population databases (gnomAD no frequency). This variant has not been reported in the literature in individuals affected with ALMS1-related conditions.

Literature cited by the submitters: PubMed 17594715.